The following is an entry in ClinVar:

ClinVar aggregate classification (germline): Uncertain significance (1 of 4 stars; one submission).

Submission:

Labcorp Genetics (formerly Invitae), Labcorp
Classification: Uncertain significance. Last evaluated: 2024-10-25. Review status: criteria provided, single submitter. Criteria: Invitae Variant Classification Sherloc (09022015). Collection method: clinical testing. Allele origin: germline.
Comment: This sequence change replaces aspartic acid, which is acidic and polar, with glycine, which is neutral and non-polar, at codon 746 of the EPHA4 protein (p.Asp746Gly). This variant is not present in population databases (gnomAD no frequency). This variant has not been reported in the literature in individuals affected with EPHA4-related conditions. Invitae Evidence Modeling of protein sequence and biophysical properties (such as structural, functional, and spatial information, amino acid conservation, physicochemical variation, residue mobility, and thermodynamic stability) has been performed for this missense variant. However, the output from this modeling did not meet the statistical confidence thresholds required to predict the impact of this variant on EPHA4 protein function. In summary, the available evidence is currently insufficient to determine the role of this variant in disease. Therefore, it has been classified as a Variant of Uncertain Significance.

NM_004438.5(EPHA4):c.2237A>G (p.Asp746Gly)

Gene: EPHA4 (EPH receptor A4; minus strand). Cytogenetic location: 2q36.1.
Variant type: single nucleotide variant.
Coding change: c.2237A>G on transcript NM_004438.5 (MANE Select); coding-DNA position 2237, A replaced by G.
Protein change: p.Asp746Gly; replaces aspartic acid 746 with glycine.
Molecular consequence: missense variant.
Genome position (GRCh38, 1-based): chr2:221,436,508, T>C on the plus strand (A>G on the coding strand, the complement: EPHA4 is on the minus strand). VCF-style: chr2-221436508-T-C. GRCh37 (hg19) VCF-style: chr2-222301228-T-C.
Other names: c.2237A>G, p.Asp746Gly (NM_001304536.2, NM_001363748.2); c.2084A>G, p.Asp695Gly (NM_001304537.2); short protein forms D695G, D746G.
Identifiers: ClinVar variation 3663125 (VCV003663125.2).